The following is an entry in ClinVar:

NM_001353921.2(ARHGEF9):c.668G>A (p.Arg223His)

Gene: ARHGEF9 (Cdc42 guanine nucleotide exchange factor 9; minus strand). Cytogenetic location: Xq11.1.
Variant type: single nucleotide variant.
Coding change: c.668G>A on transcript NM_001353921.2 (MANE Select); coding-DNA position 668, G replaced by A.
Protein change: p.Arg223His; replaces arginine 223 with histidine.
Molecular consequence: missense variant.
Genome position (GRCh38, 1-based): chrX:63,678,487, C>T on the plus strand (G>A on the coding strand, the complement: ARHGEF9 is on the minus strand). VCF-style: chrX-63678487-C-T. GRCh37 (hg19) VCF-style: chrX-62898367-C-T.
Other names: c.488G>A, p.Arg163His (NM_001173479.2); c.341G>A, p.Arg114His (NM_001173480.2, NM_001369042.1); c.584G>A, p.Arg195His (NM_001330495.2, NM_001353927.2, NM_001369033.1 and 8 more transcripts); c.668G>A, p.Arg223His (NM_001353922.2); c.686G>A, p.Arg229His (NM_001353923.1); c.467G>A, p.Arg156His (NM_001353924.2, NM_001353926.2, NM_001369039.1 and 1 more transcripts); c.647G>A, p.Arg216His (NM_001353928.2, NM_001369030.1, NM_001369031.1 and 2 more transcripts); c.233G>A, p.Arg78His (NM_001369045.1); short protein forms R114H, R156H, R163H, R195H, R216H, R223H, R229H, R78H.
Identifiers: ClinVar variation 1338257 (VCV001338257.10), dbSNP rs1556365349, ClinGen allele CA413406566.

ClinVar aggregate classification (germline): Uncertain significance. Review status: criteria provided, multiple submitters, no conflicts (2 of 4 stars). 3 submissions from 3 submitters: Uncertain significance (3). Last evaluated 2022-09-14.

Conditions:
Developmental and epileptic encephalopathy, 8 (DEE8). Also called: HYPEREKPLEXIA AND EPILEPSY. Identifiers: Orphanet 163985, Orphanet 2076, MedGen C1845102, MONDO:0010375, OMIM 300607.

Allele frequency attached by ClinVar (database versions not stated): gnomAD 0.00001; gnomAD exomes 0.00001.
gnomAD v4.1: 7 of 1,204,919 alleles (0.00058%); highest among the groups gnomAD compares: South Asian, 0.0018%; no homozygotes.

Submissions (3):

GeneDx
Classification: Uncertain significance. Last evaluated: 2022-09-14. Review status: criteria provided, single submitter. Criteria: GeneDx Variant Classification Process June 2021. Collection method: clinical testing. Allele origin: germline. Affected: yes.
Comment: In silico analysis supports that this missense variant has a deleterious effect on protein structure/function; Has not been previously published as pathogenic or benign to our knowledge

Labcorp Genetics (formerly Invitae), Labcorp
Classification: Uncertain significance for Developmental and epileptic encephalopathy, 8. Last evaluated: 2022-05-03. Review status: criteria provided, single submitter. Criteria: Invitae Variant Classification Sherloc (09022015). Collection method: clinical testing. Allele origin: germline.
Comment: In summary, the available evidence is currently insufficient to determine the role of this variant in disease. Therefore, it has been classified as a Variant of Uncertain Significance. Algorithms developed to predict the effect of missense changes on protein structure and function are either unavailable or do not agree on the potential impact of this missense change (SIFT: "Deleterious"; PolyPhen-2: "Benign"; Align-GVGD: "Class C0"). ClinVar contains an entry for this variant (Variation ID: 1338257). This variant has not been reported in the literature in individuals affected with ARHGEF9-related conditions. The frequency data for this variant in the population databases is considered unreliable, as metrics indicate poor data quality at this position in the gnomAD database. This sequence change replaces arginine, which is basic and polar, with histidine, which is basic and polar, at codon 216 of the ARHGEF9 protein (p.Arg216His).

Genetic Services Laboratory, University of Chicago
Classification: Uncertain significance. Last evaluated: 2017-08-17. Review status: criteria provided, single submitter. Criteria: ACMG Guidelines, 2015. Collection method: clinical testing. Allele origin: germline. Affected: no.